The following is an entry in ClinVar:

NM_006231.4(POLE):c.849C>G (p.Leu283=)

Gene: POLE (DNA polymerase epsilon, catalytic subunit; minus strand). Cytogenetic location: 12q24.33.
Variant type: single nucleotide variant.
Coding change: c.849C>G on transcript NM_006231.4 (MANE Select); coding-DNA position 849, C replaced by G.
Protein change: p.Leu283=; no amino-acid change (leucine 283 retained).
Molecular consequence: synonymous variant.
Genome position (GRCh38, 1-based): chr12:132,676,606, G>C on the plus strand (C>G on the coding strand, the complement: POLE is on the minus strand). VCF-style: chr12-132676606-G-C. GRCh37 (hg19) VCF-style: chr12-133253192-G-C.
Other names: c.849C>G (NM_006231.2).
Identifiers: ClinVar variation 1077849 (VCV001077849.11), dbSNP rs1232888774, ClinGen allele CA482723583.
Genomic context (GRCh38, chr12:132,676,606, plus strand): 5'-CTGGCCATCGATCATGTAGGAAATCATCATAATCTGGTCTGTCTCAGCATCAGGAAACTT[G>C]AGGGGCAGTTTGGTCGTCTCAATGTCAAATGCCAAAACCACAGGGTCCTGTGGGGACAAA-3'
Protein context (NP_006222.2, residues 273-293): AFDIETTKLP[Leu283=]KFPDAETDQI

ClinVar aggregate classification (germline): Benign/Likely benign. Review status: criteria provided, multiple submitters, no conflicts (2 of 4 stars). 3 submissions from 3 submitters: Benign (1); Likely benign (2). Last evaluated 2025-02-07.

Conditions:
Hereditary cancer-predisposing syndrome. Also called: Tumor predisposition; Hereditary neoplastic syndrome; Neoplastic Syndromes, Hereditary; Hereditary Cancer Syndrome. Identifiers: Orphanet 140162, MedGen C0027672, MeSH D009386, MONDO:0015356.
Colorectal cancer, susceptibility to, 12 (CRCS12). Also called: COLORECTAL CANCER, SUSCEPTIBILITY TO, ON CHROMOSOME 12q24. Identifiers: Orphanet 220460, MedGen C3554460, MONDO:0014038, OMIM 615083.

Allele frequency attached by ClinVar (database versions not stated): gnomAD exomes below 0.00001; gnomAD 0.00001; TOPMed 0.00001.
gnomAD v4.1: 2 of 1,613,890 alleles (0.00012%); highest among the groups gnomAD compares: African/African-American, 0.0027%; no homozygotes.

Submissions (3):

Myriad Genetics, Inc.
Classification: Benign for Colorectal cancer, susceptibility to, 12. Last evaluated: 2025-02-07. Review status: criteria provided, single submitter. Criteria: Myriad Autosomal Dominant, Autosomal Recessive and X-Linked Classification Criteria (2023). Collection method: clinical testing. Allele origin: unknown.
Comment: This variant is considered benign. This variant is a silent/synonymous amino acid change and it is not expected to impact splicing.

Labcorp Genetics (formerly Invitae), Labcorp
Classification: Likely benign. Last evaluated: 2023-08-24. Review status: criteria provided, single submitter. Criteria: Invitae Variant Classification Sherloc (09022015). Collection method: clinical testing. Allele origin: germline.

Ambry Genetics
Classification: Likely benign for Hereditary cancer-predisposing syndrome. Last evaluated: 2023-07-10. Review status: criteria provided, single submitter. Criteria: Ambry Variant Classification Scheme 2023. Collection method: clinical testing. Allele origin: germline.